The following is an entry in ClinVar:

ClinVar aggregate classification (germline): Uncertain significance. Review status: criteria provided, multiple submitters, no conflicts (2 of 4 stars). 2 submissions from 2 submitters: Uncertain significance (2). Last evaluated 2025-06-16.

Conditions:
Inborn genetic diseases. Identifiers: MedGen C0950123, MeSH D030342.

Allele frequency attached by ClinVar (database versions not stated): gnomAD exomes below 0.00001; ExAC 0.00001.
gnomAD v4.1: 5 of 1,614,002 alleles (0.00031%); highest among the groups gnomAD compares: Non-Finnish European, 0.00034%; no homozygotes.

Submissions (2):

Women's Health and Genetics/Laboratory Corporation of America, LabCorp
Classification: Uncertain significance. Last evaluated: 2025-06-16. Review status: criteria provided, single submitter. Criteria: LabCorp Variant Classification Summary - May 2015. Collection method: clinical testing. Allele origin: germline.
Comment: Variant summary: GP1BA c.1834T>C (p.Trp612Arg) results in a non-conservative amino acid change in the encoded protein sequence. Algorithms developed to predict the effect of missense changes on protein structure and function are either unavailable or do not agree on the potential impact of this missense change. The variant was absent in 249128 control chromosomes. The available data on variant occurrences in the general population are insufficient to allow any conclusion about variant significance. To our knowledge, no occurrence of c.1834T>C in individuals affected with Bernard-Soulier Syndrome, Type A2, Autosomal Dominant and no experimental evidence demonstrating its impact on protein function have been reported. ClinVar contains an entry for this variant (Variation ID: 2264968). Based on the evidence outlined above, the variant was classified as uncertain significance.

Ambry Genetics
Classification: Uncertain significance for Inborn genetic diseases. Last evaluated: 2021-12-06. Review status: criteria provided, single submitter. Criteria: Ambry Variant Classification Scheme 2023. Collection method: clinical testing. Allele origin: germline.

NM_000173.7(GP1BA):c.1834T>C (p.Trp612Arg)

Genes: GP1BA (glycoprotein Ib platelet subunit alpha; plus strand), LOC130060044 (ATAC-STARR-seq lymphoblastoid active region 11554; plus strand). Cytogenetic location: 17p13.2.
Variant type: single nucleotide variant.
Coding change: c.1834T>C on transcript NM_000173.7 (MANE Select); coding-DNA position 1834, T replaced by C.
Protein change: p.Trp612Arg; replaces tryptophan 612 with arginine.
Molecular consequence: missense variant.
Genome position (GRCh38, 1-based): chr17:4,934,438, T>C. VCF-style: chr17-4934438-T-C. GRCh37 (hg19) VCF-style: chr17-4837733-T-C.
Other names: short protein forms W612R.
Identifiers: ClinVar variation 2264968 (VCV002264968.3), dbSNP rs770091453, ClinGen allele CA8315081.
Genomic context (GRCh38, chr17:4,934,438, plus strand): 5'-CGGGCCTGGCTGCTCTTCCTTCGAGGTTCGCTTCCCACTTTCCGCTCCAGCCTCTTCCTG[T>C]GGGTACGGCCTAATGGCCGTGTGGGGCCTCTAGTGGCAGGAAGGAGGCCCTCAGCTCTGA-3'
Protein context (NP_000164.5, residues 602-622): LPTFRSSLFL[Trp612Arg]VRPNGRVGPL